The following is an entry in ClinVar:

NM_001035.3(RYR2):c.1250G>T (p.Arg417Leu)

Gene: RYR2 (ryanodine receptor 2; plus strand). Cytogenetic location: 1q43.
Variant type: single nucleotide variant.
Coding change: c.1250G>T on transcript NM_001035.3 (MANE Select); coding-DNA position 1250, G replaced by T.
Protein change: p.Arg417Leu; replaces arginine 417 with leucine.
Molecular consequence: missense variant.
Genome position (GRCh38, 1-based): chr1:237,445,480, G>T. VCF-style: chr1-237445480-G-T. GRCh37 (hg19) VCF-style: chr1-237608780-G-T.
Other names: p.R417L:CGA>CTA; c.1250G>T, p.Arg417Leu (LRG_402t1); short protein forms R417L.
Identifiers: ClinVar variation 201213 (VCV000201213.6), dbSNP rs751428303, ClinGen allele CA007552.

ClinVar aggregate classification (germline): Conflicting classifications of pathogenicity. Review status: criteria provided, conflicting classifications (1 of 4 stars). 3 submissions from 3 submitters: Likely pathogenic (1); Uncertain significance (2). Last evaluated 2024-05-26.

Conditions:
Cardiovascular phenotype. Identifiers: MedGen CN230736.
Catecholaminergic polymorphic ventricular tachycardia 1. Also called: RYR2-Related Catecholaminergic Polymorphic Ventricular Tachycardia; VENTRICULAR TACHYCARDIA, CATECHOLAMINERGIC POLYMORPHIC, 1, WITH OR WITHOUT ATRIAL DYSFUNCTION AND/OR DILATED CARDIOMYOPATHY; VENTRICULAR TACHYCARDIA, STRESS-INDUCED POLYMORPHIC 1. Identifiers: Orphanet 3286, MedGen C1631597, MONDO:0011484, OMIM 604772.

Submissions (3):

Labcorp Genetics (formerly Invitae), Labcorp
Classification: Uncertain significance for Catecholaminergic polymorphic ventricular tachycardia 1. Last evaluated: 2024-05-26. Review status: criteria provided, single submitter. Criteria: Invitae Variant Classification Sherloc (09022015). Collection method: clinical testing. Allele origin: germline.
Comment: This sequence change replaces arginine, which is basic and polar, with leucine, which is neutral and non-polar, at codon 417 of the RYR2 protein (p.Arg417Leu). This variant is not present in population databases (gnomAD no frequency). This missense change has been observed in individual(s) with catecholaminergic polymorphic ventricular tachycardia with a second RYR2 variant on the same chromosome (PMID: 30403697). ClinVar contains an entry for this variant (Variation ID: 201213). Advanced modeling of protein sequence and biophysical properties (such as structural, functional, and spatial information, amino acid conservation, physicochemical variation, residue mobility, and thermodynamic stability) performed at Invitae indicates that this missense variant is expected to disrupt RYR2 protein function with a positive predictive value of 95%. In summary, the available evidence is currently insufficient to determine the role of this variant in disease. Therefore, it has been classified as a Variant of Uncertain Significance.

Ambry Genetics
Classification: Uncertain significance for Cardiovascular phenotype. Last evaluated: 2017-09-20. Review status: criteria provided, single submitter. Criteria: Ambry Variant Classification Scheme 2023. Collection method: clinical testing. Allele origin: germline.
Comment: The p.R417L variant (also known as c.1250G>T), located in coding exon 14 of the RYR2 gene, results from a G to T substitution at nucleotide position 1250. The arginine at codon 417 is replaced by leucine, an amino acid with dissimilar properties. This amino acid position is well conserved in available vertebrate species. In addition, this alteration is predicted to be deleterious by in silico analysis. Since supporting evidence is limited at this time, the clinical significance of this alteration remains unclear.

GeneDx
Classification: Likely pathogenic. Last evaluated: 2013-06-04. Review status: criteria provided, single submitter. Criteria: GeneDx Variant Classification (06012015). Collection method: clinical testing. Allele origin: germline. Affected: yes.
Comment: p.Arg417Leu (CGA>CTA): c.1250 G>T in exon 14 of the RYR2 gene (NM_001035.2). The Arg417Leu variant in the RYR2 gene has not been reported as a disease-causing mutation or as a benign polymorphism to our knowledge. Arg417Leu results in a non-conservative amino acid substitution of a positively charged Arginine with a non-polar Leucine at a position that is conserved across species. In silico analysis predicts Arg417Leu is probably damaging to the protein structure/function. Arg417Leu is located in the N-terminal mutation hot spot" domain, and mutations in nearby residues (Arg414Cys, Arg414Leu, Thr415Arg, Ile419Phe) have been reported in association with CPVT, further supporting the functional importance of this region of the protein (Medeiros-Domingo A et al., 2009). Furthermore, Arg417Leu was not observed in approximately 6,000 individuals of European and African American ancestry in the NHLBI Exome Sequencing Project, indicating it is not a common benign variant in these populations. With the clinical and molecular information available at this time, we cannot definitively determine if Arg417Leu is a disease-causing mutation or a rare benign variant. The variant is found in CPVT panel(s)."

Literature cited by the submitters: PubMed 30403697 (cited by Labcorp Genetics (formerly Invitae), Labcorp).